The following is an entry in ClinVar:

ClinVar aggregate classification (germline): Uncertain significance (1 of 4 stars; one submission).

Submission:

GeneDx
Classification: Uncertain significance. Last evaluated: 2024-09-23. Review status: criteria provided, single submitter. Criteria: GeneDx Variant Classification Process June 2021. Collection method: clinical testing. Allele origin: germline. Affected: yes.
Comment: Not observed at significant frequency in large population cohorts (gnomAD); In silico analysis supports that this missense variant has a deleterious effect on protein structure/function; Has not been previously published as pathogenic or benign to our knowledge

NM_001394998.1(TANC2):c.2783C>T (p.Ser928Phe)

Genes: TANC2 (tetratricopeptide repeat, ankyrin repeat and coiled-coil containing 2; plus strand), LOC105371856 (uncharacterized LOC105371856; minus strand). Cytogenetic location: 17q23.3.
Variant type: single nucleotide variant.
Coding change: c.2783C>T on transcript NM_001394998.1 (MANE Select); coding-DNA position 2783, C replaced by T.
Protein change: p.Ser928Phe; replaces serine 928 with phenylalanine.
Molecular consequence: missense variant.
Genome position (GRCh38, 1-based): chr17:63,388,726, C>T. VCF-style: chr17-63388726-C-T. GRCh37 (hg19) VCF-style: chr17-61466087-C-T.
Other names: c.2561C>T, p.Ser854Phe (NM_001411076.1, NM_025185.4); short protein forms S854F, S928F.
Identifiers: ClinVar variation 3774152 (VCV003774152.1).